The following is an entry in ClinVar:

NM_003467.3(CXCR4):c.963dup (p.Arg322fs)

Gene: CXCR4 (C-X-C motif chemokine receptor 4; minus strand). Cytogenetic location: 2q22.1.
Variant type: Duplication.
Coding change: c.963dup on transcript NM_003467.3 (MANE Select); coding-DNA position 963, one base duplicated (C; older notation c.963dupC).
Protein change: p.Arg322fs; shifts the reading frame from arginine 322.
Molecular consequence: frameshift variant.
Genome position (GRCh38, 1-based): chr2:136,114,965, G duplicated on the plus strand (C on the coding strand, the reverse complement: CXCR4 is on the minus strand). VCF-style (leftmost placement, unchanged base first): chr2-136114964-T-TG. GRCh37 (hg19) VCF-style: chr2-136872534-T-TG.
Other names: c.975dup, p.Arg326fs (NM_001008540.2); c.1176dup, p.Arg393fs (NM_001348056.2); c.1062dup, p.Arg355fs (NM_001348059.2); c.918dup, p.Arg307fs (NM_001348060.2); short protein forms R326fs, R393fs, R322fs, R307fs, R355fs.
Identifiers: ClinVar variation 1390084 (VCV001390084.8), dbSNP rs2104915668, ClinGen allele CA645539223.

ClinVar aggregate classification (germline): Pathogenic (1 of 4 stars; one submission).

Conditions:
Warts, hypogammaglobulinemia, infections, and myelokathexis. Also called: WHIM syndrome. Identifiers: MedGen C0472817, MONDO:0023880.

Submission:

Labcorp Genetics (formerly Invitae), Labcorp
Classification: Pathogenic for Warts, hypogammaglobulinemia, infections, and myelokathexis. Last evaluated: 2023-06-08. Review status: criteria provided, single submitter. Criteria: Invitae Variant Classification Sherloc (09022015). Collection method: clinical testing. Allele origin: germline.
Comment: For these reasons, this variant has been classified as Pathogenic. This variant is located in a region of the CXCR4 protein where a significant number of CXCR4 nonsense and frameshift mutations have been reported in association with autosomal dominant WHIM syndrome (PMID: 31313072, 32784523, 35947323, 36089616). Experimental studies have shown that this premature translational stop signal affects CXCR4 function (external communication). Algorithms developed to predict the effect of variants on protein structure and function are not available or were not evaluated for this variant. ClinVar contains an entry for this variant (Variation ID: 1390084). This premature translational stop signal has been observed in individual(s) with clinical features of warts, hypogammaglobulinemia, infections, and myelokathexis syndrome (PMID: 35947323; Invitae). In at least one individual the variant was observed to be de novo. This variant is not present in population databases (gnomAD no frequency). This sequence change creates a premature translational stop signal (p.Arg322Glnfs*22) in the CXCR4 gene. While this is not anticipated to result in nonsense mediated decay, it is expected to disrupt the last 31 amino acid(s) of the CXCR4 protein.

Literature cited by the submitters: PubMed 31313072; PubMed 32784523; PubMed 35947323; PubMed 36089616.